The following is an entry in ClinVar:

ClinVar aggregate classification (germline): Likely pathogenic (1 of 4 stars; one submission).

Submission:

GeneDx
Classification: Likely pathogenic. Last evaluated: 2023-09-07. Review status: criteria provided, single submitter. Criteria: GeneDx Variant Classification Process June 2021. Collection method: clinical testing. Allele origin: germline. Affected: yes.
Comment: Not observed in large population cohorts (gnomAD); In silico analysis supports a deleterious effect on splicing; Reported in an individual with autosomal recessive KIDINS220-related disorder, who is likely this same patient (Brady et al., 2022); This variant is associated with the following publications: (PMID: 36588759)

NM_020738.4(KIDINS220):c.3718-12A>G

Gene: KIDINS220 (kinase D interacting substrate 220; minus strand). Cytogenetic location: 2p25.1.
Variant type: single nucleotide variant.
Coding change: c.3718-12A>G on transcript NM_020738.4 (MANE Select); 12 bases into the intron before coding-DNA position 3718, A replaced by G.
Molecular consequence: intron variant.
Genome position (GRCh38, 1-based): chr2:8,734,765, T>C on the plus strand (A>G on the coding strand, the complement: KIDINS220 is on the minus strand). VCF-style: chr2-8734765-T-C. GRCh37 (hg19) VCF-style: chr2-8874895-T-C.
Other names: c.3547-12A>G (NM_001348741.2, NM_001348742.2, NM_001348743.2 and 1 more transcripts); c.3661-12A>G (NM_001348738.2, NM_001348732.2); c.3550-12A>G (NM_001348739.2, NM_001348740.2, NM_001348734.2); c.3664-12A>G (NM_001348731.2); c.3721-12A>G (NM_001348729.2); c.3421-12A>G (NM_001348736.2).
Identifiers: ClinVar variation 2579633 (VCV002579633.1), dbSNP rs2527442444, ClinGen allele CA2580617950.